The following is an entry in ClinVar:

ClinVar aggregate classification (germline): Conflicting classifications of pathogenicity. Review status: criteria provided, conflicting classifications (1 of 4 stars). 5 submissions from 5 submitters: Uncertain significance (3); Likely benign (2). Last evaluated 2025-12-15.

Conditions:
Primary ciliary dyskinesia. Also called: Ciliary dyskinesia. Identifiers: Orphanet 244, MedGen C0008780, MONDO:0016575, HP:0012265.
Primary ciliary dyskinesia 15. Also called: CILIARY DYSKINESIA, PRIMARY, 15, WITH OR WITHOUT SITUS INVERSUS. Identifiers: Orphanet 244, MedGen C3151137, MONDO:0013435, OMIM 613808.

Allele frequency attached by ClinVar (database versions not stated): TOPMed 0.00001; gnomAD 0.00009; gnomAD exomes 0.00018 and 0.00039; ExAC 0.00048; 1000 Genomes Project 0.00100; 1000 Genomes Project 30x 0.00109.
gnomAD v4.1: 279 of 1,612,820 alleles (0.017%); highest among the groups gnomAD compares: South Asian, 0.29%; 2 homozygotes.

Submissions (5):

Labcorp Genetics (formerly Invitae), Labcorp
Classification: Likely benign for Primary ciliary dyskinesia. Last evaluated: 2025-12-15. Review status: criteria provided, single submitter. Criteria: Invitae Variant Classification Sherloc (09022015). Collection method: clinical testing. Allele origin: germline.

Blueprint Genetics
Classification: Uncertain significance. Last evaluated: 2023-06-07. Review status: criteria provided, single submitter. Criteria: ACMG Guidelines, 2015. Collection method: clinical testing. Allele origin: germline.

Ambry Genetics
Classification: Likely benign for Primary ciliary dyskinesia. Last evaluated: 2021-08-28. Review status: criteria provided, single submitter. Criteria: Ambry Variant Classification Scheme 2023. Collection method: clinical testing. Allele origin: germline.

GeneDx
Classification: Uncertain significance. Last evaluated: 2019-07-14. Review status: criteria provided, single submitter. Criteria: GeneDx Variant Classification Process June 2021. Collection method: clinical testing. Allele origin: germline. Affected: yes.
Comment: In silico analysis, which includes protein predictors and evolutionary conservation, supports a deleterious effect; Has not been previously published as pathogenic or benign to our knowledge

Revvity Omics, Revvity
Classification: Uncertain significance for Primary ciliary dyskinesia 15. Last evaluated: 2019-04-05. Review status: criteria provided, single submitter. Criteria: ACMG Guidelines, 2015. Collection method: clinical testing. Allele origin: germline.

NM_017950.4(CCDC40):c.1520A>T (p.Lys507Met)

Gene: CCDC40 (coiled-coil domain 40 molecular ruler complex subunit; plus strand). Cytogenetic location: 17q25.3.
Variant type: single nucleotide variant.
Coding change: c.1520A>T on transcript NM_017950.4 (MANE Select); coding-DNA position 1520, A replaced by T.
Protein change: p.Lys507Met; replaces lysine 507 with methionine.
Molecular consequence: missense variant.
Genome position (GRCh38, 1-based): chr17:80,065,564, A>T. VCF-style: chr17-80065564-A-T. GRCh37 (hg19) VCF-style: chr17-78039363-A-T.
Other names: c.1520A>T, p.Lys507Met (NM_001243342.2, NM_001330508.2); short protein forms K507M.
Identifiers: ClinVar variation 1306618 (VCV001306618.12), dbSNP rs563467821, ClinGen allele CA8813871.